The following is an entry in ClinVar:

ClinVar aggregate classification (germline): Conflicting classifications of pathogenicity. Review status: criteria provided, conflicting classifications (1 of 4 stars). 4 submissions from 4 submitters: Uncertain significance (3); Likely benign (1). Last evaluated 2025-11-10.

Conditions:
Hereditary cancer-predisposing syndrome. Also called: Tumor predisposition; Hereditary Cancer Syndrome; Hereditary neoplastic syndrome; Neoplastic Syndromes, Hereditary. Identifiers: Orphanet 140162, MedGen C0027672, MeSH D009386, MONDO:0015356.
Neurofibromatosis, type 2 (SWNV). Also called: BILATERAL ACOUSTIC NEUROFIBROMATOSIS; SCHWANNOMATOSIS, VESTIBULAR; NF2-Related Schwannomatosis. Identifiers: Orphanet 637, MedGen C0027832, MONDO:0007039, OMIM 101000. Disease mechanism: loss of function.

Allele frequency attached by ClinVar (database versions not stated): TOPMed below 0.00001; gnomAD exomes 0.00001; ExAC 0.00002.
gnomAD v4.1: 3 of 1,607,966 alleles (0.00019%); highest among the groups gnomAD compares: Admixed American, 0.0051%; no homozygotes.

Submissions (4):

Labcorp Genetics (formerly Invitae), Labcorp
Classification: Uncertain significance for Neurofibromatosis, type 2. Last evaluated: 2025-11-10. Review status: criteria provided, single submitter. Criteria: Invitae Variant Classification Sherloc (09022015). Collection method: clinical testing. Allele origin: germline.
Comment: This sequence change replaces valine, which is neutral and non-polar, with alanine, which is neutral and non-polar, at codon 24 of the NF2 protein (p.Val24Ala). The frequency data for this variant in the population databases is considered unreliable, as metrics indicate poor data quality at this position in the gnomAD database. This variant has not been reported in the literature in individuals affected with NF2-related conditions. ClinVar contains an entry for this variant (Variation ID: 826903). Invitae Evidence Modeling of protein sequence and biophysical properties (such as structural, functional, and spatial information, amino acid conservation, physicochemical variation, residue mobility, and thermodynamic stability) indicates that this missense variant is expected to disrupt NF2 protein function with a positive predictive value of 80%. In summary, the available evidence is currently insufficient to determine the role of this variant in disease. Therefore, it has been classified as a Variant of Uncertain Significance.

Color Diagnostics, LLC DBA Color Health
Classification: Uncertain significance for Neurofibromatosis, type 2. Last evaluated: 2025-06-17. Review status: criteria provided, single submitter. Criteria: ACMG Guidelines, 2015. Collection method: clinical testing. Allele origin: germline.
Comment: This missense variant replaces valine with alanine at codon 24 of the NF2 protein. Computational prediction is inconclusive regarding the impact of this variant on protein structure and function. To our knowledge, functional studies have not been reported for this variant. This variant has not been reported in individuals affected with NF2-related disorders in the literature. This variant has been identified in 3/237162 chromosomes in the general population by the Genome Aggregation Database (gnomAD). The available evidence is insufficient to determine the role of this variant in disease conclusively. Therefore, this variant is classified as a Variant of Uncertain Significance.

All of Us Research Program, National Institutes of Health
Classification: Uncertain significance for Neurofibromatosis, type 2. Last evaluated: 2023-10-06. Review status: criteria provided, single submitter. Criteria: ACMG Guidelines, 2015. Collection method: clinical testing. Allele origin: germline. Inheritance: Autosomal dominant inheritance. Observed: 1 variant allele, 1 heterozygote.
Comment: This missense variant replaces valine with alanine at codon 24 of the NF2 protein. Computational prediction is inconclusive regarding the impact of this variant on protein structure and function (internally defined REVEL score threshold 0.5 < inconclusive < 0.7, PMID: 27666373). To our knowledge, functional studies have not been reported for this variant. This variant has not been reported in individuals affected with NF2-related disorders in the literature. This variant has been identified in 3/237162 chromosomes in the general population by the Genome Aggregation Database (gnomAD). The available evidence is insufficient to determine the role of this variant in disease conclusively. Therefore, this variant is classified as a Variant of Uncertain Significance.

This study involves interpretation of variants in research participants for the purpose of population health screening. Participant phenotype was not available at the time of variant classification. Additional details can be found in publication PMID: 35346344, PMCID: PMC8962531

Ambry Genetics
Classification: Likely benign for Hereditary cancer-predisposing syndrome. Last evaluated: 2021-07-30. Review status: criteria provided, single submitter. Criteria: Ambry Variant Classification Scheme 2023. Collection method: clinical testing. Allele origin: germline.

NM_000268.4(NF2):c.71T>C (p.Val24Ala)

Gene: NF2 (NF2, moesin-ezrin-radixin like (MERLIN) tumor suppressor; plus strand). Cytogenetic location: 22q12.2.
Variant type: single nucleotide variant.
Coding change: c.71T>C on transcript NM_000268.4 (MANE Select); coding-DNA position 71, T replaced by C.
Protein change: p.Val24Ala; replaces valine 24 with alanine.
Molecular consequence: missense variant. On other transcripts: non-coding transcript variant (1).
Genome position (GRCh38, 1-based): chr22:29,604,069, T>C. VCF-style: chr22-29604069-T-C. GRCh37 (hg19) VCF-style: chr22-30000058-T-C.
Other names: c.71T>C, p.Val24Ala (NM_016418.5, NM_181825.3, NM_181828.3 and 5 more transcripts); short protein forms V24A.
Identifiers: ClinVar variation 826903 (VCV000826903.12), dbSNP rs773714780, ClinGen allele CA036034.